The following is an entry in ClinVar:

NM_001364171.2(ODAD1):c.842G>A (p.Arg281His)

Gene: ODAD1 (outer dynein arm docking complex subunit 1; minus strand). Cytogenetic location: 19q13.33.
Variant type: single nucleotide variant.
Coding change: c.842G>A on transcript NM_001364171.2 (MANE Select); coding-DNA position 842, G replaced by A.
Protein change: p.Arg281His; replaces arginine 281 with histidine.
Molecular consequence: missense variant.
Genome position (GRCh38, 1-based): chr19:48,303,964, C>T on the plus strand (G>A on the coding strand, the complement: ODAD1 is on the minus strand). VCF-style: chr19-48303964-C-T. GRCh37 (hg19) VCF-style: chr19-48807221-C-T.
Other names: c.731G>A, p.Arg244His (NM_144577.4); short protein forms R244H, R281H.
Identifiers: ClinVar variation 1800427 (VCV001800427.8), dbSNP rs149194036, ClinGen allele CA9548946.
Genomic context (GRCh38, chr19:48,303,964, plus strand): 5'-CAGGGGCGGCCAGGCCCTTGAGATGCAAAGGCAGCAGCCCCAGCCTCACCCTGCTTTTCA[C>T]GCTTCTCCAGGACATCGGGATCCGGCTGCCGGTCGTTGTTCTTGAGCTTGAGGAAGTGGT-3'
Protein context (NP_001351100.1, residues 271-291): RQPDPDVLEK[Arg281His]EKQAGEVAEG

ClinVar aggregate classification (germline): Uncertain significance. Review status: criteria provided, multiple submitters, no conflicts (2 of 4 stars). 3 submissions from 3 submitters: Uncertain significance (3). Last evaluated 2025-11-19.

Conditions:
Primary ciliary dyskinesia. Also called: Ciliary dyskinesia. Identifiers: Orphanet 244, MedGen C0008780, MONDO:0016575, HP:0012265.

Allele frequency attached by ClinVar (database versions not stated): gnomAD 0.00008; ExAC 0.00012; TOPMed 0.00013; gnomAD exomes 0.00018; ESP Exome Variant Server 0.00031.
gnomAD v4.1: 272 of 1,613,754 alleles (0.017%); highest among the groups gnomAD compares: Non-Finnish European, 0.019%; no homozygotes.

Submissions (3):

Labcorp Genetics (formerly Invitae), Labcorp
Classification: Uncertain significance for Primary ciliary dyskinesia. Last evaluated: 2025-11-19. Review status: criteria provided, single submitter. Criteria: Invitae Variant Classification Sherloc (09022015). Collection method: clinical testing. Allele origin: germline.
Comment: This sequence change replaces arginine, which is basic and polar, with histidine, which is basic and polar, at codon 244 of the CCDC114 protein (p.Arg244His). This variant is present in population databases (rs149194036, gnomAD 0.02%). This variant has not been reported in the literature in individuals affected with CCDC114-related conditions. ClinVar contains an entry for this variant (Variation ID: 1800427). An algorithm developed to predict the effect of missense changes on protein structure and function (PolyPhen-2) suggests that this variant is likely to be disruptive. In summary, the available evidence is currently insufficient to determine the role of this variant in disease. Therefore, it has been classified as a Variant of Uncertain Significance.

Ambry Genetics
Classification: Uncertain significance for Primary ciliary dyskinesia. Last evaluated: 2025-03-23. Review status: criteria provided, single submitter. Criteria: Ambry Variant Classification Scheme 2023. Collection method: clinical testing. Allele origin: germline.
Comment: The p.R244H variant (also known as c.731G>A), located in coding exon 6 of the CCDC114 gene, results from a G to A substitution at nucleotide position 731. The arginine at codon 244 is replaced by histidine, an amino acid with highly similar properties. This amino acid position is conserved. In addition, this alteration is predicted to be tolerated by in silico analysis. Since supporting evidence is limited at this time, the clinical significance of this alteration remains unclear.

Blueprint Genetics
Classification: Uncertain significance. Last evaluated: 2024-09-30. Review status: criteria provided, single submitter. Criteria: ACMG Guidelines, 2015. Collection method: clinical testing. Allele origin: germline.